The following is an entry in ClinVar:

NM_181303.2(NLGN3):c.2T>G (p.Met1Arg)

Gene: NLGN3 (neuroligin 3; plus strand). Cytogenetic location: Xq13.1.
Variant type: single nucleotide variant.
Coding change: c.2T>G on transcript NM_181303.2 (MANE Select); coding-DNA position 2, T replaced by G.
Protein change: p.Met1Arg; changes the start codon (methionine 1).
Molecular consequence: missense variant, initiator codon variant. On other transcripts: intron variant (1).
Genome position (GRCh38, 1-based): chrX:71,147,751, T>G. VCF-style: chrX-71147751-T-G. GRCh37 (hg19) VCF-style: chrX-70367601-T-G.
Other names: c.2T>G, p.Met1Arg (NM_001166660.2, NM_018977.4); c.-38-312T>G (NM_001321276.2); short protein forms M1R.
Identifiers: ClinVar variation 2412926 (VCV002412926.3), dbSNP rs2519734418, ClinGen allele CA413546466.

ClinVar aggregate classification (germline): Uncertain significance (1 of 4 stars; one submission).

Submission:

GeneDx
Classification: Uncertain significance. Last evaluated: 2022-07-25. Review status: criteria provided, single submitter. Criteria: GeneDx Variant Classification Process June 2021. Collection method: clinical testing. Allele origin: germline. Affected: yes.
Comment: Not observed at significant frequency in large population cohorts (gnomAD); Initiation codon variant in a gene for which loss of function is not a known mechanism of disease; Has not been previously published as pathogenic or benign to our knowledge